The following is an entry in ClinVar:

NM_001374259.2(IL12RB2):c.2277G>C (p.Glu759Asp)

Gene: IL12RB2 (interleukin 12 receptor subunit beta 2; plus strand). Cytogenetic location: 1p31.3.
Variant type: single nucleotide variant.
Coding change: c.2277G>C on transcript NM_001374259.2 (MANE Select); coding-DNA position 2277, G replaced by C.
Protein change: p.Glu759Asp; replaces glutamic acid 759 with aspartic acid.
Molecular consequence: missense variant. On other transcripts: 3 prime UTR variant (3), non-coding transcript variant (2).
Genome position (GRCh38, 1-based): chr1:67,395,777, G>C. VCF-style: chr1-67395777-G-C. GRCh37 (hg19) VCF-style: chr1-67861460-G-C.
Other names: c.2277G>C (NM_001559.2); c.*197G>C (NM_001258214.1, NM_001319233.1); c.2019G>C, p.Glu673Asp (NM_001258215.1); c.*178G>C (NM_001258216.1); c.2277G>C, p.Glu759Asp (NM_001559.3); short protein forms E673D, E759D.
Identifiers: ClinVar variation 1462865 (VCV001462865.10), dbSNP rs553975974, ClinGen allele CA900700.

ClinVar aggregate classification (germline): Uncertain significance. Review status: criteria provided, multiple submitters, no conflicts (2 of 4 stars). 2 submissions from 2 submitters: Uncertain significance (2). Last evaluated 2025-10-21.

Conditions:
IL12RB2-related disorder. Also called: IL12RB2-related condition.

Allele frequency attached by ClinVar (database versions not stated): gnomAD exomes 0.00001; ExAC 0.00002; TOPMed 0.00006; gnomAD 0.00010 and 0.00011; 1000 Genomes Project 30x 0.00031; 1000 Genomes Project 0.00040.
gnomAD v4.1: 27 of 1,614,152 alleles (0.0017%); highest among the groups gnomAD compares: African/African-American, 0.031%; no homozygotes.

Submissions (2):

PreventionGenetics, part of Exact Sciences
Classification: Uncertain significance for IL12RB2-related condition. Last evaluated: 2025-10-21. Review status: criteria provided, single submitter. Criteria: ACMG Guidelines, 2015. Collection method: clinical testing. Allele origin: germline.
Comment: The IL12RB2 c.2277G>C variant is predicted to result in the amino acid substitution p.Glu759Asp. To our knowledge, this variant has not been reported in the literature. This variant is reported in 0.024% of alleles in individuals of African descent in gnomAD. At this time, the clinical significance of this variant is uncertain due to the absence of conclusive functional and genetic evidence.

Labcorp Genetics (formerly Invitae), Labcorp
Classification: Uncertain significance. Last evaluated: 2025-07-31. Review status: criteria provided, single submitter. Criteria: Invitae Variant Classification Sherloc (09022015). Collection method: clinical testing. Allele origin: germline.
Comment: This sequence change replaces glutamic acid, which is acidic and polar, with aspartic acid, which is acidic and polar, at codon 759 of the IL12RB2 protein (p.Glu759Asp). This variant is present in population databases (rs553975974, gnomAD 0.02%). This variant has not been reported in the literature in individuals affected with IL12RB2-related conditions. ClinVar contains an entry for this variant (Variation ID: 1462865). An algorithm developed to predict the effect of missense changes on protein structure and function outputs the following: PolyPhen-2: "Benign". The aspartic acid amino acid residue is found in multiple mammalian species, which suggests that this missense change does not adversely affect protein function. In summary, the available evidence is currently insufficient to determine the role of this variant in disease. Therefore, it has been classified as a Variant of Uncertain Significance.